The following is an entry in ClinVar:

NM_006147.4(IRF6):c.-3-3C>A

Gene: IRF6 (interferon regulatory factor 6; minus strand). Cytogenetic location: 1q32.2.
Variant type: single nucleotide variant.
Coding change: c.-3-3C>A on transcript NM_006147.4 (MANE Select); 3 bases into the intron before 3 bases upstream of the start codon, C replaced by A.
Molecular consequence: intron variant.
Genome position (GRCh38, 1-based): chr1:209,801,419, G>T on the plus strand (C>A on the coding strand, the complement: IRF6 is on the minus strand). VCF-style: chr1-209801419-G-T. GRCh37 (hg19) VCF-style: chr1-209974764-G-T.
Other names: c.-112+4528C>A (NM_001206696.2).
Identifiers: ClinVar variation 1326898 (VCV001326898.2), dbSNP rs1404291807, ClinGen allele CA2484369604.

ClinVar aggregate classification (germline): not provided (0 of 4 stars; one submission).

Conditions:
Van der Woude syndrome 1. Also called: CLEFT LIP AND/OR PALATE WITH MUCOUS CYSTS OF LOWER LIP; van der Woude Syndrome (VWS). Identifiers: MedGen C4551864, MONDO:0007333, OMIM 119300.

gnomAD v4.1: 4 of 1,571,196 alleles (0.00025%); highest among the groups gnomAD compares: Non-Finnish European, 0.00034%; no homozygotes.

Submission:

GeneReviews
No classification provided. Condition: Van der Woude syndrome 1. Review status: no classification provided. Collection method: literature only. Allele origin: germline.
Comment: Reported in 1 person w/spina bifida [Kousa et al 2019]

Literature cited by the submitters: PubMed 30689861.